The following is an entry in ClinVar:

NM_003001.5(SDHC):c.179+9G>A

Gene: SDHC (succinate dehydrogenase complex subunit C; plus strand). Cytogenetic location: 1q23.3.
Variant type: single nucleotide variant.
Coding change: c.179+9G>A on transcript NM_003001.5 (MANE Select); 9 bases into the intron after coding-DNA position 179, G replaced by A.
Molecular consequence: intron variant.
Genome position (GRCh38, 1-based): chr1:161,328,506, G>A. VCF-style: chr1-161328506-G-A. GRCh37 (hg19) VCF-style: chr1-161298296-G-A.
Other names: c.68+9G>A (NM_001407119.1, NM_001407120.1); c.179+9G>A (NM_001407115.1, NM_001035511.3); c.77+4836G>A (NM_001035512.3, NM_001278172.3, NM_001407118.1); c.122+9G>A (NM_001407116.1, NM_001407121.1, NM_001407117.1); c.21-12088G>A (NM_001035513.3).
Identifiers: ClinVar variation 771970 (VCV000771970.13), dbSNP rs1558167376, ClinGen allele CA915943646.

ClinVar aggregate classification (germline): Likely benign. Review status: criteria provided, multiple submitters, no conflicts (2 of 4 stars). 2 submissions from 2 submitters: Likely benign (2). Last evaluated 2025-12-28.

Conditions:
Pheochromocytoma/paraganglioma syndrome 3. Also called: SDHC-Related Hereditary Paraganglioma-Pheochromocytoma Syndrome (Paragangliomas 3); SDHC-Related Hereditary Paraganglioma-Pheochromocytoma Syndrome; Paragangliomas 3; GLOMUS TUMORS, FAMILIAL, 3. Identifiers: Orphanet 29072, MedGen C1854336, MONDO:0011544, OMIM 605373.
Gastrointestinal stromal tumor. Also called: Gastrointestinal stromal tumor, somatic; Gastrointestinal stroma tumor. Identifiers: Orphanet 44890, MedGen C0238198, MeSH D046152, MONDO:0011719, OMIM 606764, HP:0100723.

Allele frequency attached by ClinVar (database versions not stated): gnomAD exomes below 0.00001.
gnomAD v4.1: 2 of 1,564,276 alleles (0.00013%); highest among the groups gnomAD compares: Non-Finnish European, 0.00018%; no homozygotes.

Submissions (2):

Labcorp Genetics (formerly Invitae), Labcorp
Classification: Likely benign for Pheochromocytoma/paraganglioma syndrome 3; Gastrointestinal stromal tumor. Last evaluated: 2025-12-28. Review status: criteria provided, single submitter. Criteria: Invitae Variant Classification Sherloc (09022015). Collection method: clinical testing. Allele origin: germline.

Myriad Genetics, Inc.
Classification: Likely benign for Pheochromocytoma/paraganglioma syndrome 3. Last evaluated: 2025-03-14. Review status: criteria provided, single submitter. Criteria: Myriad Autosomal Dominant, Autosomal Recessive and X-Linked Classification Criteria (2023). Collection method: clinical testing. Allele origin: unknown.
Comment: This variant is considered likely benign. This variant is intronic and is not expected to impact mRNA splicing.